The following is an entry in ClinVar:

NM_001267550.2(TTN):c.12592A>G (p.Thr4198Ala)

Gene: TTN (titin; minus strand). Cytogenetic location: 2q31.2.
Variant type: single nucleotide variant.
Coding change: c.12592A>G on transcript NM_001267550.2 (MANE Select); coding-DNA position 12592, A replaced by G.
Protein change: p.Thr4198Ala; replaces threonine 4198 with alanine.
Molecular consequence: missense variant. On other transcripts: intron variant (1).
Genome position (GRCh38, 1-based): chr2:178,740,641, T>C on the plus strand (A>G on the coding strand, the complement: TTN is on the minus strand). VCF-style: chr2-178740641-T-C. GRCh37 (hg19) VCF-style: chr2-179605368-T-C.
Other names: c.11641A>G, p.Thr3881Ala (NM_001256850.1); c.11503A>G, p.Thr3835Ala (NM_003319.4); c.11878A>G, p.Thr3960Ala (NM_133432.3); c.12079A>G, p.Thr4027Ala (NM_133437.4); c.10361-2281A>G (NM_133378.4); short protein forms T3835A, T3960A, T3881A, T4027A, T4198A.
Identifiers: ClinVar variation 5009482 (VCV005009482.1).

ClinVar aggregate classification (germline): Uncertain significance (1 of 4 stars; one submission).

gnomAD v4.1: 1 of 1,613,822 alleles (0.000062%); highest among the groups gnomAD compares: Non-Finnish European, 0.000085%; no homozygotes.

Submission:

GeneDx
Classification: Uncertain significance. Last evaluated: 2026-02-21. Review status: criteria provided, single submitter. Criteria: GeneDx Variant Classification Process June 2021. Collection method: clinical testing. Allele origin: germline.
Comment: Not observed at significant frequency in large population cohorts (gnomAD); Missense variant in a gene in which most reported pathogenic variants are truncating/loss of function; Has not been previously published as pathogenic or benign to our knowledge